The following is an entry in ClinVar:

NM_000235.4(LIPA):c.428+1G>A

Gene: LIPA (lipase A, lysosomal acid type; minus strand). Cytogenetic location: 10q23.31.
Variant type: single nucleotide variant.
Coding change: c.428+1G>A on transcript NM_000235.4 (MANE Select); the canonical splice donor site of the intron after coding-DNA position 428, G replaced by A.
Molecular consequence: splice donor variant.
Genome position (GRCh38, 1-based): chr10:89,228,199, C>T on the plus strand (G>A on the coding strand, the complement: LIPA is on the minus strand). VCF-style: chr10-89228199-C-T. GRCh37 (hg19) VCF-style: chr10-90987956-C-T.
Other names: c.80+1G>A (NM_001288979.2); c.428+1G>A (NM_001127605.3).
Identifiers: ClinVar variation 557940 (VCV000557940.4), dbSNP rs1554866004, ClinGen allele CA377517715.
Genomic context (GRCh38, chr10:89,228,199, plus strand): 5'-CTGTTGTCTGCTTTAAGAGTACTAAGGAAATACATCCATGCCATTATCAATTCATATATA[C>T]CTGAAAGCCCAGAATTCATCCTGAGAAACTGAGAGTGTCTTATGTTTCCGAGACCAGGTA-3'

ClinVar aggregate classification (germline): Pathogenic. Review status: criteria provided, single submitter (1 of 4 stars). 2 submissions from 2 submitters: Pathogenic (1). 1 of the submissions does not count toward it. Last evaluated 2025-12-22.

Conditions:
Cholesteryl ester storage disease (CESD). Also called: Childhood/Adult-Onset LAL-D (Cholesterol Ester Storage Disease [CESD]). Identifiers: Orphanet 75234, MedGen C0008384, MONDO:0019149, OMIM 278000.
Wolman disease (WOLD). Also called: Wolman disease, CESD; LYSOSOMAL ACID LIPASE DEFICIENCY, ACUTE INFANTILE; LYSOSOMAL ACID LIPASE DEFICIENCY, COMPLETE; LIPA DEFICIENCY, COMPLETE; LAL DEFICIENCY, COMPLETE; CHOLESTEROL ESTER HYDROLASE DEFICIENCY, COMPLETE. Identifiers: Orphanet 75233, MedGen C0043208, MONDO:0019148, OMIM 620151.

Allele frequency attached by ClinVar (database versions not stated): gnomAD exomes below 0.00001.
gnomAD v4.1: 1 of 1,612,728 alleles (0.000062%); highest among the groups gnomAD compares: Non-Finnish European, 0.000085%; no homozygotes.

Submissions (2):

Labcorp Genetics (formerly Invitae), Labcorp
Classification: Pathogenic for Wolman disease. Last evaluated: 2025-12-22. Review status: criteria provided, single submitter. Criteria: Invitae Variant Classification Sherloc (09022015). Collection method: clinical testing. Allele origin: germline.
Comment: This sequence change affects a donor splice site in intron 4 of the LIPA gene. It is expected to disrupt RNA splicing. Variants that disrupt the donor or acceptor splice site typically lead to a loss of protein function (PMID: 16199547), and loss-of-function variants in LIPA are known to be pathogenic (PMID: 23485521). This variant is not present in population databases (gnomAD no frequency). Disruption of this splice site has been observed in individual(s) with lysosomal acid lipase deficiency (PMID: 28502515). In at least one individual the data is consistent with being in trans (on the opposite chromosome) from a pathogenic variant. It has also been observed to segregate with disease in related individuals. ClinVar contains an entry for this variant (Variation ID: 557940). Algorithms developed to predict the effect of sequence changes on RNA splicing suggest that this variant may disrupt the consensus splice site. For these reasons, this variant has been classified as Pathogenic.

Counsyl
Classification: Likely pathogenic for Cholesteryl ester storage disease. Last evaluated: 2018-04-17. Review status: no assertion criteria provided. Collection method: clinical testing. Allele origin: unknown. Not counted in ClinVar's aggregate classification.

Literature cited by the submitters: PubMed 16199547 (cited by Labcorp Genetics (formerly Invitae), Labcorp); PubMed 23485521 (cited by Labcorp Genetics (formerly Invitae), Labcorp); PubMed 28502515 (cited by Labcorp Genetics (formerly Invitae), Labcorp and Counsyl).